The following is an entry in ClinVar:

NM_000235.4(LIPA):c.372C>G (p.Thr124=)

Gene: LIPA (lipase A, lysosomal acid type; minus strand). Cytogenetic location: 10q23.31.
Variant type: single nucleotide variant.
Coding change: c.372C>G on transcript NM_000235.4 (MANE Select); coding-DNA position 372, C replaced by G.
Protein change: p.Thr124=; no amino-acid change (threonine 124 retained).
Molecular consequence: synonymous variant.
Genome position (GRCh38, 1-based): chr10:89,228,256, G>C on the plus strand (C>G on the coding strand, the complement: LIPA is on the minus strand). VCF-style: chr10-89228256-G-C. GRCh37 (hg19) VCF-style: chr10-90988013-G-C.
Other names: p.Thr124=; c.372C>G, p.Thr124= (NM_001127605.3); c.24C>G, p.Thr8= (NM_001288979.2); c.372C>G (NM_000235.2).
Identifiers: ClinVar variation 758327 (VCV000758327.16), dbSNP rs532740212, ClinGen allele CA5593756.

ClinVar aggregate classification (germline): Likely benign. Review status: criteria provided, multiple submitters, no conflicts (2 of 4 stars). 6 submissions from 6 submitters: Likely benign (6). Last evaluated 2025-07-21.

Conditions:
Wolman disease (WOLD). Also called: Infantile-Onset LAL-D (Wolman Disease); LYSOSOMAL ACID LIPASE DEFICIENCY, ACUTE INFANTILE; LYSOSOMAL ACID LIPASE DEFICIENCY, COMPLETE; LIPA DEFICIENCY, COMPLETE; LAL DEFICIENCY, COMPLETE; CHOLESTEROL ESTER HYDROLASE DEFICIENCY, COMPLETE. Identifiers: Orphanet 75233, MedGen C0043208, MONDO:0019148, OMIM 620151.
LIPA-related disorder. Also called: LIPA-related disorders; LIPA-related condition.
Cardiovascular phenotype. Identifiers: MedGen CN230736.
Lysosomal acid lipase deficiency. Also called: Acid cholesteryl ester hydrolase deficiency, type 2. Identifiers: Orphanet 275761, MedGen C5574740, MONDO:0800449, MONDO:0010204.

Allele frequency attached by ClinVar (database versions not stated): gnomAD exomes 0.00005 and 0.00011; TOPMed 0.00005; ExAC 0.00006; gnomAD 0.00007; 1000 Genomes Project 30x 0.00016; 1000 Genomes Project 0.00020.
gnomAD v4.1: 172 of 1,614,154 alleles (0.011%); highest among the groups gnomAD compares: Non-Finnish European, 0.013%; no homozygotes.

Submissions (6):

Labcorp Genetics (formerly Invitae), Labcorp
Classification: Likely benign for Wolman disease. Last evaluated: 2025-07-21. Review status: criteria provided, single submitter. Criteria: Invitae Variant Classification Sherloc (09022015). Collection method: clinical testing. Allele origin: germline.

PreventionGenetics, part of Exact Sciences
Classification: Likely benign for LIPA-related condition. Last evaluated: 2025-03-12. Review status: criteria provided, single submitter. Criteria: ACMG Guidelines, 2015. Collection method: clinical testing. Allele origin: germline.
Comment: This variant is classified as likely benign based on ACMG/AMP sequence variant interpretation guidelines (Richards et al. 2015 PMID: 25741868, with internal and published modifications).

Mayo Clinic Laboratories, Mayo Clinic
Classification: Likely benign. Last evaluated: 2024-12-16. Review status: criteria provided, single submitter. Criteria: ACMG Guidelines, 2015. Collection method: clinical testing. Allele origin: germline. Observed: 1 variant allele.
Comment: BP4, BP7

GENinCode PLC
Classification: Likely benign for Lysosomal acid lipase deficiency. Last evaluated: 2024-08-12. Review status: criteria provided, single submitter. Criteria: ACMG Guidelines, 2015. Collection method: clinical testing. Allele origin: germline.
Comment: This is a synonymous (silent) variant that is not predicted by SpliceAI to impact splicing. In addition, it occurs at a nucleotide that is not conserved. Therefore this variant has been classified as Likely Benign (BP4, BP7).

Ambry Genetics
Classification: Likely benign for Cardiovascular phenotype. Last evaluated: 2023-11-10. Review status: criteria provided, single submitter. Criteria: Ambry Variant Classification Scheme 2023. Collection method: clinical testing. Allele origin: germline.

Blueprint Genetics
Classification: Likely benign. Last evaluated: 2022-07-17. Review status: criteria provided, single submitter. Criteria: ACMG Guidelines, 2015. Collection method: clinical testing. Allele origin: germline.